The following is an entry in ClinVar:

NM_153700.2(STRC):c.4581G>A (p.Gln1527=)

Gene: STRC (stereocilin; minus strand). Cytogenetic location: 15q15.3.
Variant type: single nucleotide variant.
Coding change: c.4581G>A on transcript NM_153700.2 (MANE Select); coding-DNA position 4581, G replaced by A.
Protein change: p.Gln1527=; no amino-acid change (glutamine 1527 retained).
Molecular consequence: synonymous variant.
Genome position (GRCh38, 1-based): chr15:43,601,516, C>T on the plus strand (G>A on the coding strand, the complement: STRC is on the minus strand). VCF-style: chr15-43601516-C-T. GRCh37 (hg19) VCF-style: chr15-43893714-C-T.
Identifiers: ClinVar variation 505039 (VCV000505039.5), dbSNP rs1331991004, ClinGen allele CA490145448.
Genomic context (GRCh38, chr15:43,601,516, plus strand): 5'-GATCAGCTCCTGTAGTTCCCGATCTCCTAGACCTATTAAGAGCCTACCAAGCTGCAGGAT[C>T]TGCTCAGGACGAAATCCCCGGGGGGGACCCCACAACTAGGAGAAAGACAGGAACAATGTG-3'
Protein context (NP_714544.1, residues 1517-1537): WGPPRGFRPE[Gln1527=]ILQLGRLLIG

ClinVar aggregate classification (germline): Likely benign (1 of 4 stars; one submission).

Allele frequency attached by ClinVar (database versions not stated): gnomAD 0.00001; gnomAD exomes 0.00002; TOPMed 0.00002.
gnomAD v4.1: 160 of 1,613,774 alleles (0.0099%); highest among the groups gnomAD compares: Non-Finnish European, 0.013%; 1 homozygote.

Submission:

Laboratory for Molecular Medicine, Mass General Brigham Personalized Medicine
Classification: Likely benign. Last evaluated: 2016-06-02. Review status: criteria provided, single submitter. Criteria: LMM Criteria. Collection method: clinical testing. Allele origin: germline. Observed: 1 variant allele.
Comment: p.Gln1527Gln in exon 24 of STRC: This variant is not expected to have clinical s ignificance because it does not alter an amino acid residue and is not located w ithin the splice consensus sequence.